The following is an entry in ClinVar:

ClinVar aggregate classification (germline): Uncertain significance (1 of 4 stars; one submission).

Submission:

Ambry Genetics
Classification: Uncertain significance. Last evaluated: 2026-06-03. Review status: criteria provided, single submitter. Criteria: Ambry Variant Classification Scheme 2023. Collection method: clinical testing. Allele origin: germline.
Comment: The c.1111C>T (p.R371W) alteration is located in exon 3 (coding exon 3) of the ACOT1 gene. This alteration results from a C to T substitution at nucleotide position 1111, causing the arginine (R) at amino acid position 371 to be replaced by a tryptophan (W). Based on data from gnomAD, the T allele has an overall frequency of <0.001% (0/68234) total alleles studied. The highest observed frequency was <0.001% (/) of alleles. Based on insufficient or conflicting evidence, the clinical significance of this alteration remains unclear.

NM_001037161.2(ACOT1):c.1111C>T (p.Arg371Trp)

Genes: ACOT1 (acyl-CoA thioesterase 1; plus strand), HEATR4 (HEAT repeat containing 4; minus strand). Cytogenetic location: 14q24.3.
Variant type: single nucleotide variant.
Coding change: c.1111C>T on transcript NM_001037161.2 (MANE Select); coding-DNA position 1111, C replaced by T.
Protein change: p.Arg371Trp; replaces arginine 371 with tryptophan.
Molecular consequence: missense variant. On other transcripts: intron variant (2).
Genome position (GRCh38, 1-based): chr14:73,543,500, C>T. VCF-style: chr14-73543500-C-T. GRCh37 (hg19) VCF-style: chr14-74010204-C-T.
Other names: c.-73+15251G>A (NM_203309.2); c.-151-13256G>A (NM_001220484.1); short protein forms R371W.
Identifiers: ClinVar variation 4867121 (VCV004867121.1).